The following is an entry in ClinVar:

NM_201599.3(ZMYM3):c.3370C>G (p.Arg1124Gly)

Gene: ZMYM3 (zinc finger MYM-type containing 3; minus strand). Cytogenetic location: Xq13.1.
Variant type: single nucleotide variant.
Coding change: c.3370C>G on transcript NM_201599.3 (MANE Select); coding-DNA position 3370, C replaced by G.
Protein change: p.Arg1124Gly; replaces arginine 1124 with glycine.
Molecular consequence: missense variant.
Genome position (GRCh38, 1-based): chrX:71,243,891, G>C on the plus strand (C>G on the coding strand, the complement: ZMYM3 is on the minus strand). VCF-style: chrX-71243891-G-C. GRCh37 (hg19) VCF-style: chrX-70463741-G-C.
Other names: c.3334C>G, p.Arg1112Gly (NM_001171162.1); c.3370C>G, p.Arg1124Gly (NM_005096.3); short protein forms R1112G, R1124G.
Identifiers: ClinVar variation 3253441 (VCV003253441.2), dbSNP rs2519815983.

ClinVar aggregate classification (germline): Uncertain significance (1 of 4 stars; one submission).

Submission:

GeneDx
Classification: Uncertain significance. Last evaluated: 2025-05-12. Review status: criteria provided, single submitter. Criteria: GeneDx Variant Classification Process June 2021. Collection method: clinical testing. Allele origin: germline.
Comment: Not observed at significant frequency in large population cohorts (gnomAD); In silico analysis supports that this missense variant has a deleterious effect on protein structure/function; Has not been previously published as pathogenic or benign to our knowledge